The following is an entry in ClinVar:

ClinVar aggregate classification (germline): Uncertain significance (1 of 4 stars; one submission).

Submission:

GeneDx
Classification: Uncertain significance. Last evaluated: 2020-01-24. Review status: criteria provided, single submitter. Criteria: GeneDx Variant Classification Process June 2021. Collection method: clinical testing. Allele origin: germline. Affected: yes.
Comment: Not observed in large population cohorts (Lek et al., 2016); In silico analysis, which includes protein predictors and evolutionary conservation, supports that this variant does not alter protein structure/function; Has not been previously published as pathogenic or benign to our knowledge

NM_153717.3(EVC):c.82C>A (p.Leu28Met)

Gene: EVC (EvC ciliary complex subunit 1; plus strand). Cytogenetic location: 4p16.2.
Variant type: single nucleotide variant.
Coding change: c.82C>A on transcript NM_153717.3 (MANE Select); coding-DNA position 82, C replaced by A.
Protein change: p.Leu28Met; replaces leucine 28 with methionine.
Molecular consequence: missense variant.
Genome position (GRCh38, 1-based): chr4:5,711,462, C>A. VCF-style: chr4-5711462-C-A. GRCh37 (hg19) VCF-style: chr4-5713189-C-A.
Other names: c.82C>A, p.Leu28Met (NM_001306090.2, NM_001306092.2); short protein forms L28M.
Identifiers: ClinVar variation 1315092 (VCV001315092.2), dbSNP rs1723001259, ClinGen allele CA356156483.